The following is an entry in ClinVar:

ClinVar aggregate classification (germline): Uncertain significance. Review status: criteria provided, multiple submitters, no conflicts (2 of 4 stars). 2 submissions from 2 submitters: Uncertain significance (2). Last evaluated 2025-10-26.

Conditions:
Inborn genetic diseases. Identifiers: MedGen C0950123, MeSH D030342.

Allele frequency attached by ClinVar (database versions not stated): TOPMed 0.00001; gnomAD 0.00001.
gnomAD v4.1: 2 of 1,613,924 alleles (0.00012%); highest among the groups gnomAD compares: Non-Finnish European, 0.00017%; no homozygotes.

Submissions (2):

Labcorp Genetics (formerly Invitae), Labcorp
Classification: Uncertain significance. Last evaluated: 2025-10-26. Review status: criteria provided, single submitter. Criteria: Invitae Variant Classification Sherloc (09022015). Collection method: clinical testing. Allele origin: germline.
Comment: This sequence change replaces aspartic acid, which is acidic and polar, with glutamic acid, which is acidic and polar, at codon 392 of the MBD4 protein (p.Asp392Glu). This variant is present in population databases (no rsID available, gnomAD 0.002%). This variant has not been reported in the literature in individuals affected with MBD4-related conditions. ClinVar contains an entry for this variant (Variation ID: 2781695). An algorithm developed to predict the effect of missense changes on protein structure and function outputs the following: PolyPhen-2: "Benign". The glutamic acid amino acid residue is found in multiple mammalian species, which suggests that this missense change does not adversely affect protein function. In summary, the available evidence is currently insufficient to determine the role of this variant in disease. Therefore, it has been classified as a Variant of Uncertain Significance.

Ambry Genetics
Classification: Uncertain significance for Inborn genetic diseases. Last evaluated: 2025-02-09. Review status: criteria provided, single submitter. Criteria: Ambry Variant Classification Scheme 2023. Collection method: clinical testing. Allele origin: germline.
Comment: The p.D392E variant (also known as c.1176C>A), located in coding exon 3 of the MBD4 gene, results from a C to A substitution at nucleotide position 1176. The aspartic acid at codon 392 is replaced by glutamic acid, an amino acid with highly similar properties. This amino acid position is conserved. In addition, this alteration is predicted to be tolerated by in silico analysis. Based on the available evidence, the clinical significance of this variant remains unclear.

NM_001276270.2(MBD4):c.1176C>A (p.Asp392Glu)

Gene: MBD4 (methyl-CpG binding domain 4, DNA glycosylase; minus strand). Cytogenetic location: 3q21.3.
Variant type: single nucleotide variant.
Coding change: c.1176C>A on transcript NM_001276270.2 (MANE Select); coding-DNA position 1176, C replaced by A.
Protein change: p.Asp392Glu; replaces aspartic acid 392 with glutamic acid.
Molecular consequence: missense variant. On other transcripts: intron variant (1).
Genome position (GRCh38, 1-based): chr3:129,436,468, G>T on the plus strand (C>A on the coding strand, the complement: MBD4 is on the minus strand). VCF-style: chr3-129436468-G-T. GRCh37 (hg19) VCF-style: chr3-129155311-G-T.
Other names: c.1176C>A, p.Asp392Glu (NM_001276271.2, NM_001276272.2, NM_003925.3); c.247+1340C>A (NM_001276273.2); short protein forms D392E.
Identifiers: ClinVar variation 2781695 (VCV002781695.4), dbSNP rs1360092347, ClinGen allele CA354466381.
Genomic context (GRCh38, chr3:129,436,468, plus strand): 5'-CATAATGTTTAATAGTGCTTGAAAGCACTGGATACCTTGAAATATTTTCTCACCAGTGAA[G>T]TCTTTCCTGGTTGGTGAGCAGTTGTTGTCCATTTCAGAGCCACGTTTTAAAATGTCAGTA-3'
Protein context (NP_001263199.1, residues 382-402): MDNNCSPTRK[Asp392Glu]FTEDTIPRTQ